The following is an entry in ClinVar:

NM_007215.4(POLG2):c.250C>G (p.Gln84Glu)

Genes: MILR1 (mast cell immunoglobulin like receptor 1; plus strand), POLG2 (DNA polymerase gamma 2, accessory subunit; minus strand). Cytogenetic location: 17q23.3.
Variant type: single nucleotide variant.
Coding change: c.250C>G on transcript NM_007215.4 (MANE Select); coding-DNA position 250, C replaced by G.
Protein change: p.Gln84Glu; replaces glutamine 84 with glutamic acid.
Molecular consequence: missense variant.
Genome position (GRCh38, 1-based): chr17:64,496,719, G>C on the plus strand (C>G on the coding strand, the complement: POLG2 is on the minus strand). VCF-style: chr17-64496719-G-C. GRCh37 (hg19) VCF-style: chr17-62492837-G-C.
Other names: short protein forms Q84E.
Identifiers: ClinVar variation 4809522 (VCV004809522.1).
Genomic context (GRCh38, chr17:64,496,719, plus strand): 5'-CGCCCAAGGGTCCGAAGCCGGGGTGGCACCCACTCAGAAGAGAATCCCGGCTAAGCTGCT[G>C]CTTGCTTCCACTTAGGAAATGCCTTCTCTGACAGATCTCTAACAGCGCCTCGCTTCCCTC-3'
Protein context (NP_009146.2, residues 74-94): QRRHFLSGSK[Gln84Glu]QLSRDSLLSG

ClinVar aggregate classification (germline): Uncertain significance (1 of 4 stars; one submission).

gnomAD v4.1: 1 of 1,614,120 alleles (0.000062%); highest among the groups gnomAD compares: Non-Finnish European, 0.000085%; no homozygotes.

Submission:

Labcorp Genetics (formerly Invitae), Labcorp
Classification: Uncertain significance. Last evaluated: 2026-01-26. Review status: criteria provided, single submitter. Criteria: Invitae Variant Classification Sherloc (09022015). Collection method: clinical testing. Allele origin: germline.
Comment: This sequence change replaces glutamine, which is neutral and polar, with glutamic acid, which is acidic and polar, at codon 84 of the POLG2 protein (p.Gln84Glu). This variant is not present in population databases (gnomAD no frequency). This variant has not been reported in the literature in individuals affected with POLG2-related conditions. An algorithm developed to predict the effect of missense changes on protein structure and function (PolyPhen-2) suggests that this variant is likely to be tolerated. In summary, the available evidence is currently insufficient to determine the role of this variant in disease. Therefore, it has been classified as a Variant of Uncertain Significance.